The following is an entry in ClinVar:

ClinVar aggregate classification (germline): Uncertain significance (1 of 4 stars; one submission).

Allele frequency attached by ClinVar (database versions not stated): gnomAD exomes below 0.00001; TOPMed below 0.00001; gnomAD 0.00001.
gnomAD v4.1: 3 of 1,612,940 alleles (0.00019%); highest among the groups gnomAD compares: South Asian, 0.0011%; no homozygotes.

Submission:

Labcorp Genetics (formerly Invitae), Labcorp
Classification: Uncertain significance. Last evaluated: 2024-10-24. Review status: criteria provided, single submitter. Criteria: Invitae Variant Classification Sherloc (09022015). Collection method: clinical testing. Allele origin: germline.
Comment: This sequence change replaces arginine, which is basic and polar, with histidine, which is basic and polar, at codon 370 of the CACNA1B protein (p.Arg370His). This variant is present in population databases (no rsID available, gnomAD 0.003%). This variant has not been reported in the literature in individuals affected with CACNA1B-related conditions. ClinVar contains an entry for this variant (Variation ID: 1946680). Invitae Evidence Modeling of protein sequence and biophysical properties (such as structural, functional, and spatial information, amino acid conservation, physicochemical variation, residue mobility, and thermodynamic stability) indicates that this missense variant is not expected to disrupt CACNA1B protein function with a negative predictive value of 80%. In summary, the available evidence is currently insufficient to determine the role of this variant in disease. Therefore, it has been classified as a Variant of Uncertain Significance.

NM_000718.4(CACNA1B):c.1109G>A (p.Arg370His)

Gene: CACNA1B (calcium voltage-gated channel subunit alpha1 B; plus strand). Cytogenetic location: 9q34.3.
Variant type: single nucleotide variant.
Coding change: c.1109G>A on transcript NM_000718.4 (MANE Select); coding-DNA position 1109, G replaced by A.
Protein change: p.Arg370His; replaces arginine 370 with histidine.
Molecular consequence: missense variant.
Genome position (GRCh38, 1-based): chr9:137,955,736, G>A. VCF-style: chr9-137955736-G-A. GRCh37 (hg19) VCF-style: chr9-140850188-G-A.
Other names: c.1109G>A, p.Arg370His (NM_001243812.2); short protein forms R370H.
Identifiers: ClinVar variation 1946680 (VCV001946680.5), dbSNP rs1279917188, ClinGen allele CA375801723.